The following is an entry in ClinVar:

ClinVar aggregate classification (germline): Uncertain significance (1 of 4 stars; one submission).

Conditions:
MEGF10-related myopathy (CMYO10A). Also called: Congenital myopathy 10A, severe variant. Identifiers: Orphanet 439212, MedGen C3280679, MONDO:0013731, OMIM 614399.

Allele frequency attached by ClinVar (database versions not stated): gnomAD exomes below 0.00001.
gnomAD v4.1: 1 of 1,614,046 alleles (0.000062%); highest among the groups gnomAD compares: Non-Finnish European, 0.000085%; no homozygotes.

Submission:

Labcorp Genetics (formerly Invitae), Labcorp
Classification: Uncertain significance for MEGF10-related myopathy. Last evaluated: 2023-08-10. Review status: criteria provided, single submitter. Criteria: Invitae Variant Classification Sherloc (09022015). Collection method: clinical testing. Allele origin: germline.
Comment: In summary, the available evidence is currently insufficient to determine the role of this variant in disease. Therefore, it has been classified as a Variant of Uncertain Significance. Advanced modeling of protein sequence and biophysical properties (such as structural, functional, and spatial information, amino acid conservation, physicochemical variation, residue mobility, and thermodynamic stability) performed at Invitae indicates that this missense variant is not expected to disrupt MEGF10 protein function. This variant has not been reported in the literature in individuals affected with MEGF10-related conditions. This variant is not present in population databases (gnomAD no frequency). This sequence change replaces isoleucine, which is neutral and non-polar, with valine, which is neutral and non-polar, at codon 856 of the MEGF10 protein (p.Ile856Val).

NM_001256545.2(MEGF10):c.2566A>G (p.Ile856Val)

Gene: MEGF10 (multiple EGF like domains 10; plus strand). Cytogenetic location: 5q23.2.
Variant type: single nucleotide variant.
Coding change: c.2566A>G on transcript NM_001256545.2 (MANE Select); coding-DNA position 2566, A replaced by G.
Protein change: p.Ile856Val; replaces isoleucine 856 with valine.
Molecular consequence: missense variant.
Genome position (GRCh38, 1-based): chr5:127,445,531, A>G. VCF-style: chr5-127445531-A-G. GRCh37 (hg19) VCF-style: chr5-126781223-A-G.
Other names: c.2566A>G, p.Ile856Val (NM_032446.3); short protein forms I856V.
Identifiers: ClinVar variation 1010708 (VCV001010708.13), dbSNP rs1765910939, ClinGen allele CA360734679.